The following is an entry in ClinVar:

ClinVar aggregate classification (germline): Benign. Review status: criteria provided, multiple submitters, no conflicts (2 of 4 stars). 6 submissions from 6 submitters: Benign (5). 1 of the submissions does not count toward it. Last evaluated 2026-02-02.

Conditions:
Diffuse cerebral and cerebellar atrophy - intractable seizures - progressive microcephaly syndrome. Also called: Microcephaly, progressive, with seizures and cerebral and cerebellar atrophy. Identifiers: Orphanet 404437, MedGen C4014239, MONDO:0014335, OMIM 615760.
QARS1-related disorder. Also called: QARS1-related condition.

Allele frequency attached by ClinVar (database versions not stated): ESP Exome Variant Server 0.00062; gnomAD 0.00181 and 0.00220; TOPMed 0.00267; ExAC 0.00316; gnomAD exomes 0.00366; 1000 Genomes Project 30x 0.00703; 1000 Genomes Project 0.00759.

Submissions (6):

Labcorp Genetics (formerly Invitae), Labcorp
Classification: Benign for Diffuse cerebral and cerebellar atrophy - intractable seizures - progressive microcephaly syndrome. Last evaluated: 2026-02-02. Review status: criteria provided, single submitter. Criteria: Invitae Variant Classification Sherloc (09022015). Collection method: clinical testing. Allele origin: germline.

CeGaT Center for Human Genetics Tuebingen
Classification: Benign. Last evaluated: 2022-05-01. Review status: criteria provided, single submitter. Criteria: CeGaT Center For Human Genetics Tuebingen Variant Classification Criteria Version 2. Collection method: clinical testing. Allele origin: germline. Affected: yes. Observed: 2 variant alleles.
Comment: QARS1: BS1, BS2

Athena Diagnostics
Classification: Benign. Last evaluated: 2017-06-29. Review status: criteria provided, single submitter. Criteria: Athena Diagnostics Criteria. Collection method: clinical testing. Allele origin: germline.

GeneDx
Classification: Benign. Last evaluated: 2016-08-09. Review status: criteria provided, single submitter. Criteria: GeneDx Variant Classification (06012015). Collection method: clinical testing. Allele origin: germline. Affected: yes.
Comment: This variant is considered likely benign or benign based on one or more of the following criteria: it is a conservative change, it occurs at a poorly conserved position in the protein, it is predicted to be benign by multiple in silico algorithms, and/or has population frequency not consistent with disease.

Breakthrough Genomics
Classification: Benign. Review status: criteria provided, single submitter. Criteria: ACMG Guidelines, 2015. Collection method: not provided. Allele origin: germline. Inheritance: Autosomal recessive inheritance. Affected: yes.

PreventionGenetics, part of Exact Sciences
Classification: Benign for QARS1-related condition. Last evaluated: 2019-08-07. Review status: no assertion criteria provided. Collection method: clinical testing. Allele origin: germline. Not counted in ClinVar's aggregate classification.
Comment: This variant is classified as benign based on ACMG/AMP sequence variant interpretation guidelines (Richards et al. 2015 PMID: 25741868, with internal and published modifications).

NM_005051.3(QARS1):c.163C>T (p.Leu55=)

Gene: QARS1 (glutaminyl-tRNA synthetase 1; minus strand). Cytogenetic location: 3p21.31.
Variant type: single nucleotide variant.
Coding change: c.163C>T on transcript NM_005051.3 (MANE Select); coding-DNA position 163, C replaced by T.
Protein change: p.Leu55=; no amino-acid change (leucine 55 retained).
Molecular consequence: synonymous variant. On other transcripts: non-coding transcript variant (1).
Genome position (GRCh38, 1-based): chr3:49,104,426, G>A on the plus strand (C>T on the coding strand, the complement: QARS1 is on the minus strand). VCF-style: chr3-49104426-G-A. GRCh37 (hg19) VCF-style: chr3-49141859-G-A.
Other names: c.163C>T, p.Leu55= (NM_001272073.2).
Identifiers: ClinVar variation 381869 (VCV000381869.33), dbSNP rs58012546, ClinGen allele CA2392282.
Genomic context (GRCh38, chr3:49,104,426, plus strand): 5'-AGCTTACAAGGAAGGAGAGACGCCGGGTATCCCTGAGTCGGGAGGCCAAGCCATATAACA[G>A]GATCCCGGTAGCTTTGTCAATGGTGGAACCCAGGGTCTGCTGAGCCTGAGGTCAGAGGGG-3'
Protein context (NP_005042.1, residues 45-65): GSTIDKATGI[Leu55=]LYGLASRLRD